The following is an entry in ClinVar:

NM_006268.5(DPF2):c.451A>G (p.Ser151Gly)

Gene: DPF2 (double PHD fingers 2; plus strand). Cytogenetic location: 11q13.1.
Variant type: single nucleotide variant.
Coding change: c.451A>G on transcript NM_006268.5 (MANE Select); coding-DNA position 451, A replaced by G.
Protein change: p.Ser151Gly; replaces serine 151 with glycine.
Molecular consequence: missense variant.
Genome position (GRCh38, 1-based): chr11:65,341,548, A>G. VCF-style: chr11-65341548-A-G. GRCh37 (hg19) VCF-style: chr11-65109019-A-G.
Other names: c.451A>G, p.Ser151Gly (NM_001330308.2); short protein forms S151G.
Identifiers: ClinVar variation 1695535 (VCV001695535.2), dbSNP rs2137693939, ClinGen allele CA381250800.
Genomic context (GRCh38, chr11:65,341,548, plus strand): 5'-CGAGGTGCCCCGGATCCCCGAGTTGATGATGACAGCCTGGGCGAGTTTCCTGTGACCAAC[A>G]GTCGAGCGCGAAAGGTACAGGATTATCCCTGTGGCTAAGGGAGCTTTGATGGAAATCAGC-3'
Protein context (NP_006259.1, residues 141-161): DSLGEFPVTN[Ser151Gly]RARKRILEPD

ClinVar aggregate classification (germline): Uncertain significance (1 of 4 stars; one submission).

Allele frequency attached by ClinVar (database versions not stated): gnomAD exomes below 0.00001.
gnomAD v4.1: 2 of 1,614,166 alleles (0.00012%); highest among the groups gnomAD compares: Non-Finnish European, 0.00017%; no homozygotes.

Submission:

GeneDx
Classification: Uncertain significance. Last evaluated: 2022-01-06. Review status: criteria provided, single submitter. Criteria: GeneDx Variant Classification Process June 2021. Collection method: clinical testing. Allele origin: germline. Affected: yes.
Comment: Not observed at significant frequency in large population cohorts (gnomAD); In silico analysis supports that this missense variant does not alter protein structure/function; Has not been previously published as pathogenic or benign to our knowledge